The following is an entry in ClinVar:

NM_020806.5(GPHN):c.667G>A (p.Gly223Ser)

Gene: GPHN (gephyrin; plus strand). Cytogenetic location: 14q23.3.
Variant type: single nucleotide variant.
Coding change: c.667G>A on transcript NM_020806.5 (MANE Select); coding-DNA position 667, G replaced by A.
Protein change: p.Gly223Ser; replaces glycine 223 with serine.
Molecular consequence: missense variant.
Genome position (GRCh38, 1-based): chr14:66,922,876, G>A. VCF-style: chr14-66922876-G-A. GRCh37 (hg19) VCF-style: chr14-67389593-G-A.
Other names: c.667G>A, p.Gly223Ser (NM_001377518.1, NM_001024218.2, NM_001377515.1 and 2 more transcripts); c.706G>A, p.Gly236Ser (NM_001377519.1, NM_001377514.1); short protein forms G223S, G236S.
Identifiers: ClinVar variation 2825775 (VCV002825775.3), dbSNP rs2549615506, ClinGen allele CA390256457.

ClinVar aggregate classification (germline): Uncertain significance (1 of 4 stars; one submission).

Conditions:
Sulfite oxidase deficiency due to molybdenum cofactor deficiency type C. Also called: Molybdenum cofactor deficiency, complementation group C; Molybdenum cofactor deficiency C. Identifiers: Orphanet 308400, Orphanet 833, MedGen C1854990, MONDO:0014212, OMIM 615501.

Submission:

Labcorp Genetics (formerly Invitae), Labcorp
Classification: Uncertain significance for Sulfite oxidase deficiency due to molybdenum cofactor deficiency type C. Last evaluated: 2023-01-01. Review status: criteria provided, single submitter. Criteria: Invitae Variant Classification Sherloc (09022015). Collection method: clinical testing. Allele origin: germline.
Comment: In summary, the available evidence is currently insufficient to determine the role of this variant in disease. Therefore, it has been classified as a Variant of Uncertain Significance. Advanced modeling of protein sequence and biophysical properties (such as structural, functional, and spatial information, amino acid conservation, physicochemical variation, residue mobility, and thermodynamic stability) performed at Invitae indicates that this missense variant is not expected to disrupt GPHN protein function. This variant has not been reported in the literature in individuals affected with GPHN-related conditions. This variant is not present in population databases (gnomAD no frequency). This sequence change replaces glycine, which is neutral and non-polar, with serine, which is neutral and polar, at codon 223 of the GPHN protein (p.Gly223Ser).